The following is an entry in ClinVar:

ClinVar aggregate classification (germline): Uncertain significance (1 of 4 stars; one submission).

Conditions:
KIDINS220-related disorder. Also called: KIDINS220-related condition.

Submission:

PreventionGenetics, part of Exact Sciences
Classification: Uncertain significance for KIDINS220-related condition. Last evaluated: 2026-07-13. Review status: criteria provided, single submitter. Criteria: ACMG Guidelines, 2015. Collection method: clinical testing. Allele origin: germline.
Comment: The KIDINS220 c.4064G>T variant is predicted to result in the amino acid substitution p.Arg1355Leu. To our knowledge, this variant has not been reported in the literature. This variant is reported in 0.0077% of alleles in individuals of Latino descent in gnomAD. At this time, the clinical significance of this variant is uncertain due to the absence of conclusive functional and genetic evidence.

NM_020738.4(KIDINS220):c.4064G>T (p.Arg1355Leu)

Gene: KIDINS220 (kinase D interacting substrate 220; minus strand). Cytogenetic location: 2p25.1.
Variant type: single nucleotide variant.
Coding change: c.4064G>T on transcript NM_020738.4 (MANE Select); coding-DNA position 4064, G replaced by T.
Protein change: p.Arg1355Leu; replaces arginine 1355 with leucine.
Molecular consequence: missense variant. On other transcripts: intron variant (6).
Genome position (GRCh38, 1-based): chr2:8,731,972, C>A on the plus strand (G>T on the coding strand, the complement: KIDINS220 is on the minus strand). VCF-style: chr2-8731972-C-A. GRCh37 (hg19) VCF-style: chr2-8872102-C-A.
Other names: c.4067G>T, p.Arg1356Leu (NM_001348729.2); c.4010G>T, p.Arg1337Leu (NM_001348731.2); c.4007G>T, p.Arg1336Leu (NM_001348732.2); c.3896G>T, p.Arg1299Leu (NM_001348734.2); c.3893G>T, p.Arg1298Leu (NM_001348735.2); c.3767G>T, p.Arg1256Leu (NM_001348736.2); c.3882+1472G>T (NM_001348741.2, NM_001348742.2, NM_001348743.2); c.3996+1472G>T (NM_001348738.2); and 1 more; short protein forms R1336L, R1337L, R1355L, R1298L, R1299L, R1256L, R1356L.
Identifiers: ClinVar variation 4978242 (VCV004978242.1).